The following is an entry in ClinVar:

NC_000010.10:g.(?_100903975)_(100904176_?)del

Gene: HPSE2 (heparanase 2 (inactive); minus strand). Cytogenetic location: 10q24.2.
Variant type: Deletion.
Identifiers: ClinVar variation 1444911 (VCV001444911.6).

ClinVar aggregate classification (germline): Uncertain significance (1 of 4 stars; one submission).

Submission:

Labcorp Genetics (formerly Invitae), Labcorp
Classification: Uncertain significance. Last evaluated: 2021-06-02. Review status: criteria provided, single submitter. Criteria: Invitae Variant Classification Sherloc (09022015). Collection method: clinical testing. Allele origin: germline.
Comment: In summary, the available evidence is currently insufficient to determine the role of this variant in disease. Therefore, it has been classified as a Variant of Uncertain Significance. Experimental studies and prediction algorithms are not available or were not evaluated, and the functional significance of this variant is currently unknown. A similar deletion has been observed in individual(s) with clinical features of urofacial syndrome (PMID: 20560210). This variant is a gross deletion of the genomic region encompassing exon(s) 3 of the HPSE2 gene. This variant would be expected to be in-frame, preserving the integrity of the reading frame.

Literature cited by the submitters: PubMed 20560210.